The following is an entry in ClinVar:

ClinVar aggregate classification (germline): Uncertain significance (1 of 4 stars; one submission).

Conditions:
Hereditary breast ovarian cancer syndrome. Also called: Hereditary breast and ovarian cancer syndrome; Hereditary breast and ovarian cancer syndrome (HBOC); BRCA1- and BRCA2-Associated Hereditary Breast and Ovarian Cancer; Hereditary breast and ovarian cancer; Breast and ovarian cancer; Hereditary breast and/or ovarian cancer syndrome. Identifiers: Orphanet 145, MedGen C0677776, MeSH D061325, MONDO:0003582. Disease mechanism: loss of function.

Submission:

Labcorp Genetics (formerly Invitae), Labcorp
Classification: Uncertain significance for Hereditary breast ovarian cancer syndrome. Last evaluated: 2024-03-03. Review status: criteria provided, single submitter. Criteria: Invitae Variant Classification Sherloc (09022015). Collection method: clinical testing. Allele origin: germline.
Comment: This sequence change replaces alanine, which is neutral and non-polar, with threonine, which is neutral and polar, at codon 1922 of the BRCA2 protein (p.Ala1922Thr). This variant is not present in population databases (gnomAD no frequency). This variant has not been reported in the literature in individuals affected with BRCA2-related conditions. Advanced modeling of protein sequence and biophysical properties (such as structural, functional, and spatial information, amino acid conservation, physicochemical variation, residue mobility, and thermodynamic stability) performed at Invitae indicates that this missense variant is not expected to disrupt BRCA2 protein function with a negative predictive value of 95%. In summary, the available evidence is currently insufficient to determine the role of this variant in disease. Therefore, it has been classified as a Variant of Uncertain Significance.

NM_000059.4(BRCA2):c.5764G>A (p.Ala1922Thr)

Gene: BRCA2 (BRCA2 DNA repair associated; plus strand). Cytogenetic location: 13q13.1.
Variant type: single nucleotide variant.
Coding change: c.5764G>A on transcript NM_000059.4 (MANE Select); coding-DNA position 5764, G replaced by A.
Protein change: p.Ala1922Thr; replaces alanine 1922 with threonine.
Molecular consequence: missense variant. On other transcripts: non-coding transcript variant (1), intron variant (2).
Genome position (GRCh38, 1-based): chr13:32,340,119, G>A. VCF-style: chr13-32340119-G-A. GRCh37 (hg19) VCF-style: chr13-32914256-G-A.
Other names: c.5764G>A, p.Ala1922Thr (NM_001406719.1, NM_001406720.1, NM_001432077.1); c.1910-4439G>A (NM_001406721.1); c.425-4439G>A (NM_001406722.1); short protein forms A1922T.
Identifiers: ClinVar variation 3636499 (VCV003636499.2).